The following is an entry in ClinVar:

NM_002016.2(FLG):c.9306A>T (p.Ala3102=)

Genes: CCDST (cervical cancer associated DHX9 suppressive transcript; plus strand), FLG (filaggrin; minus strand). Cytogenetic location: 1q21.3.
Variant type: single nucleotide variant.
Coding change: c.9306A>T on transcript NM_002016.2 (MANE Select); coding-DNA position 9306, A replaced by T.
Protein change: p.Ala3102=; no amino-acid change (alanine 3102 retained).
Molecular consequence: synonymous variant.
Genome position (GRCh38, 1-based): chr1:152,305,580, T>A on the plus strand (A>T on the coding strand, the complement: FLG is on the minus strand). VCF-style: chr1-152305580-T-A. GRCh37 (hg19) VCF-style: chr1-152278056-T-A.
Identifiers: ClinVar variation 3025073 (VCV003025073.23), dbSNP rs537672532, ClinGen allele CA1103875.
Genomic context (GRCh38, chr1:152,305,580, plus strand): 5'-CTGCCTTCCTCCTCTGCTTGACCCCGGGTGTCCACGAATGGTGTCCTGACCGTATTGGGA[T>A]GCTGAGTGCCTGGAGCTGTCTTGTGCCTGCTCATGGCGGGATCCTTGTCTTCCTCTAGTG-3'
Protein context (NP_002007.1, residues 3092-3112): EQAQDSSRHS[Ala3102=]SQYGQDTIRG

ClinVar aggregate classification (germline): Likely benign. Review status: criteria provided, multiple submitters, no conflicts (2 of 4 stars). 2 submissions from 2 submitters: Likely benign (2). Last evaluated 2024-02-01.

Allele frequency attached by ClinVar (database versions not stated): ExAC 0.00002; gnomAD 0.00004; 1000 Genomes Project 30x 0.00031; 1000 Genomes Project 0.00060.
gnomAD v4.1: 27 of 1,501,996 alleles (0.0018%); highest among the groups gnomAD compares: East Asian, 0.031%; 2 homozygotes.

Submissions (2):

CeGaT Center for Human Genetics Tuebingen
Classification: Likely benign. Last evaluated: 2024-02-01. Review status: criteria provided, single submitter. Criteria: CeGaT Center For Human Genetics Tuebingen Variant Classification Criteria Version 2. Collection method: clinical testing. Allele origin: germline. Affected: yes. Observed: 1 variant allele.
Comment: FLG: BP4, BP7

Blueprint Genetics
Classification: Likely benign. Last evaluated: 2022-09-09. Review status: criteria provided, single submitter. Criteria: ACMG Guidelines, 2015. Collection method: clinical testing. Allele origin: germline.